The following is an entry in ClinVar:

NM_001379200.1(TBX1):c.136C>A (p.Pro46Thr)

Gene: TBX1 (T-box transcription factor 1; plus strand). Cytogenetic location: 22q11.21.
Variant type: single nucleotide variant.
Coding change: c.136C>A on transcript NM_001379200.1 (MANE Select); coding-DNA position 136, C replaced by A.
Protein change: p.Pro46Thr; replaces proline 46 with threonine.
Molecular consequence: missense variant.
Genome position (GRCh38, 1-based): chr22:19,760,979, C>A. VCF-style: chr22-19760979-C-A. GRCh37 (hg19) VCF-style: chr22-19748502-C-A.
Other names: c.109C>A, p.Pro37Thr (NM_005992.1, NM_080646.2, NM_080647.1); short protein forms P46T, P37T.
Identifiers: ClinVar variation 3654015 (VCV003654015.2).

ClinVar aggregate classification (germline): Uncertain significance (1 of 4 stars; one submission).

Conditions:
DiGeorge syndrome. Also called: THIRD AND FOURTH PHARYNGEAL POUCH SYNDROME; Catch22. Identifiers: Orphanet 567, MedGen C0012236, MONDO:0008564, OMIM 188400.

Submission:

Labcorp Genetics (formerly Invitae), Labcorp
Classification: Uncertain significance for DiGeorge syndrome. Last evaluated: 2024-05-21. Review status: criteria provided, single submitter. Criteria: Invitae Variant Classification Sherloc (09022015). Collection method: clinical testing. Allele origin: germline.
Comment: This sequence change replaces proline, which is neutral and non-polar, with threonine, which is neutral and polar, at codon 37 of the TBX1 protein (p.Pro37Thr). The frequency data for this variant in the population databases is considered unreliable, as metrics indicate insufficient coverage at this position in the gnomAD database. This variant has not been reported in the literature in individuals affected with TBX1-related conditions. Advanced modeling of protein sequence and biophysical properties (such as structural, functional, and spatial information, amino acid conservation, physicochemical variation, residue mobility, and thermodynamic stability) performed at Invitae indicates that this missense variant is not expected to disrupt TBX1 protein function with a negative predictive value of 80%. In summary, the available evidence is currently insufficient to determine the role of this variant in disease. Therefore, it has been classified as a Variant of Uncertain Significance.